The following is an entry in ClinVar:

ClinVar aggregate classification (germline): Uncertain significance (1 of 4 stars; one submission).

Conditions:
Inborn genetic diseases. Identifiers: MedGen C0950123, MeSH D030342.

Allele frequency attached by ClinVar (database versions not stated): gnomAD exomes below 0.00001.

Submission:

Ambry Genetics
Classification: Uncertain significance for Inborn genetic diseases. Last evaluated: 2022-08-29. Review status: criteria provided, single submitter. Criteria: Ambry Variant Classification Scheme 2023. Collection method: clinical testing. Allele origin: germline.
Comment: The p.T336I variant (also known as c.1007C>T), located in coding exon 9 of the MDH2 gene, results from a C to T substitution at nucleotide position 1007. The threonine at codon 336 is replaced by isoleucine, an amino acid with similar properties. This amino acid position is conserved. In addition, this alteration is predicted to be tolerated by in silico analysis. Since supporting evidence is limited at this time, the clinical significance of this alteration remains unclear.

NM_005918.4(MDH2):c.1007C>T (p.Thr336Ile)

Gene: MDH2 (malate dehydrogenase 2; plus strand). Cytogenetic location: 7q11.23.
Variant type: single nucleotide variant.
Coding change: c.1007C>T on transcript NM_005918.4 (MANE Select); coding-DNA position 1007, C replaced by T.
Protein change: p.Thr336Ile; replaces threonine 336 with isoleucine.
Molecular consequence: missense variant.
Genome position (GRCh38, 1-based): chr7:76,066,400, C>T. VCF-style: chr7-76066400-C-T. GRCh37 (hg19) VCF-style: chr7-75695718-C-T.
Other names: c.881C>T, p.Thr294Ile (NM_001282403.2); c.686C>T, p.Thr229Ile (NM_001282404.2); short protein forms T229I, T294I, T336I.
Identifiers: ClinVar variation 1787367 (VCV001787367.2), dbSNP rs1554587913, ClinGen allele CA367770269.
Genomic context (GRCh38, chr7:76,066,400, plus strand): 5'-TCTCGGATGCCATCCCCGAGCTGAAGGCCTCCATCAAGAAGGGGGAAGATTTCGTGAAGA[C>T]CCTGAAGTGAGCCGCTGTGACGGGTGGCCAGTTTCCTTAATTTATGAAGGCATCATGTCA-3'
Protein context (NP_005909.2, residues 326-338): SIKKGEDFVK[Thr336Ile]LK